The following is an entry in ClinVar:

ClinVar aggregate classification (germline): Likely benign. Review status: criteria provided, multiple submitters, no conflicts (2 of 4 stars). 2 submissions from 2 submitters: Likely benign (2). Last evaluated 2025-02-01.

Allele frequency attached by ClinVar (database versions not stated): ESP Exome Variant Server 0.00015; 1000 Genomes Project 30x 0.00031; gnomAD 0.00007; gnomAD exomes 0.00007; TOPMed 0.00009; 1000 Genomes Project 0.00040.
gnomAD v4.1: 115 of 1,614,154 alleles (0.0071%); highest among the groups gnomAD compares: Middle Eastern, 0.033%; no homozygotes.

Submissions (2):

CeGaT Center for Human Genetics Tuebingen
Classification: Likely benign. Last evaluated: 2025-02-01. Review status: criteria provided, single submitter. Criteria: CeGaT Center For Human Genetics Tuebingen Variant Classification Criteria Version 2. Collection method: clinical testing. Allele origin: germline. Affected: yes. Observed: 2 variant alleles.
Comment: NFASC: BP4, BP7

Blueprint Genetics
Classification: Likely benign. Last evaluated: 2024-09-02. Review status: criteria provided, single submitter. Criteria: ACMG Guidelines, 2015. Collection method: clinical testing. Allele origin: germline.

NM_001005388.3(NFASC):c.582C>T (p.Asn194=)

Gene: NFASC (neurofascin; plus strand). Cytogenetic location: 1q32.1.
Variant type: single nucleotide variant.
Coding change: c.582C>T on transcript NM_001005388.3 (MANE Select); coding-DNA position 582, C replaced by T.
Protein change: p.Asn194=; no amino-acid change (asparagine 194 retained).
Molecular consequence: synonymous variant. On other transcripts: non-coding transcript variant (1).
Genome position (GRCh38, 1-based): chr1:204,957,702, C>T. VCF-style: chr1-204957702-C-T. GRCh37 (hg19) VCF-style: chr1-204926830-C-T.
Other names: c.582C>T, p.Asn194= (NM_001005389.2, NM_001378329.1); c.564C>T, p.Asn188= (NM_001160331.2, NM_001160332.2, NM_001160333.2 and 4 more transcripts).
Identifiers: ClinVar variation 3025281 (VCV003025281.23), dbSNP rs368438179, ClinGen allele CA1349643.